The following is an entry in ClinVar:

NM_145207.3(AFG2A):c.1495A>C (p.Thr499Pro)

Gene: AFG2A (AFG2 AAA ATPase homolog A; plus strand). Cytogenetic location: 4q28.1.
Variant type: single nucleotide variant.
Coding change: c.1495A>C on transcript NM_145207.3 (MANE Select); coding-DNA position 1495, A replaced by C.
Protein change: p.Thr499Pro; replaces threonine 499 with proline.
Molecular consequence: missense variant.
Genome position (GRCh38, 1-based): chr4:122,947,269, A>C. VCF-style: chr4-122947269-A-C. GRCh37 (hg19) VCF-style: chr4-123868424-A-C.
Other names: c.1492A>C, p.Thr498Pro (NM_001317799.2, NM_001345856.2); short protein forms T498P, T499P.
Identifiers: ClinVar variation 1005110 (VCV001005110.1), dbSNP rs1387106355, ClinGen allele CA358108104.
Genomic context (GRCh38, chr4:122,947,269, plus strand): 5'-TTTATTTTCATTTTATTTTGTTAGGAAGTAAGTGAAGGACAAGTGTTGGTTCTTGGGGCC[A>C]CAAATCGCCCTCATGCCTTGGATGCTGCTCTCCGAAGACCTGGGCGATTTGATAAAGAGA-3'
Protein context (NP_660208.2, residues 489-509): SEGQVLVLGA[Thr499Pro]NRPHALDAAL

ClinVar aggregate classification (germline): Uncertain significance (1 of 4 stars; one submission).

Conditions:
Microcephaly-intellectual disability-sensorineural hearing loss-epilepsy-abnormal muscle tone syndrome (NEDHSB). Also called: NEURODEVELOPMENTAL DISORDER WITH HEARING LOSS, SEIZURES, AND BRAIN ABNORMALITIES. Identifiers: Orphanet 457351, MedGen C4225276, MONDO:0014698, OMIM 616577.

Submission:

Labcorp Genetics (formerly Invitae), Labcorp
Classification: Uncertain significance for Microcephaly-intellectual disability-sensorineural hearing loss-epilepsy-abnormal muscle tone syndrome. Last evaluated: 2020-09-10. Review status: criteria provided, single submitter. Criteria: Invitae Variant Classification Sherloc (09022015). Collection method: clinical testing. Allele origin: germline.
Comment: This sequence change replaces threonine with proline at codon 499 of the SPATA5 protein (p.Thr499Pro). The threonine residue is highly conserved and there is a small physicochemical difference between threonine and proline. This variant is not present in population databases (ExAC no frequency). This variant has not been reported in the literature in individuals with SPATA5-related conditions. Advanced modeling of protein sequence and biophysical properties (such as structural, functional, and spatial information, amino acid conservation, physicochemical variation, residue mobility, and thermodynamic stability) performed at Invitae indicates that this missense variant is expected to disrupt SPATA5 protein function. In summary, the available evidence is currently insufficient to determine the role of this variant in disease. Therefore, it has been classified as a Variant of Uncertain Significance.